The following is an entry in ClinVar:

ClinVar aggregate classification (germline): Uncertain significance (1 of 4 stars; one submission).

Submission:

Labcorp Genetics (formerly Invitae), Labcorp
Classification: Uncertain significance. Last evaluated: 2022-08-31. Review status: criteria provided, single submitter. Criteria: Invitae Variant Classification Sherloc (09022015). Collection method: clinical testing. Allele origin: germline.
Comment: In summary, the available evidence is currently insufficient to determine the role of this variant in disease. Therefore, it has been classified as a Variant of Uncertain Significance. This variant, c.1873_1875del, results in the deletion of 1 amino acid(s) of the CEP250 protein (p.Glu625del), but otherwise preserves the integrity of the reading frame. This variant is present in population databases (rs755726097, gnomAD 0.02%). This variant has not been reported in the literature in individuals affected with CEP250-related conditions. Experimental studies and prediction algorithms are not available or were not evaluated, and the functional significance of this variant is currently unknown.

NM_007186.6(CEP250):c.1867GAG[2] (p.Glu625del)

Genes: CEP250 (centrosomal protein 250; plus strand), CEP250-AS1 (CEP250 antisense RNA 1; minus strand). Cytogenetic location: 20q11.22.
Variant type: Microsatellite.
Coding change: c.1867GAG[2] on transcript NM_007186.6 (MANE Select); two copies in a row of the 3-base unit GAG starting at c.1867; the reference has three copies in a row; one copy, 3 bases deleted.
Protein change: p.Glu625del; deletes glutamic acid 625.
Molecular consequence: inframe deletion. On other transcripts: 5 prime UTR variant (1).
Genome position (GRCh38, 1-based): chr20:35,477,880-35,477,882, GAG deleted; deleting any 3 consecutive bases within chr20:35,477,874-35,477,882 gives the same sequence; the position shown is the placement nearest the transcript's 3' end. VCF-style (leftmost placement, unchanged base first): chr20-35477873-AGAG-A. GRCh37 (hg19) VCF-style: chr20-34065698-AGAG-A.
Other names: c.-30GAG[2] (NM_001318219.1); short protein forms E625del.
Identifiers: ClinVar variation 1368035 (VCV001368035.8), dbSNP rs755726097, ClinGen allele CA9833057.